The following is an entry in ClinVar:

ClinVar aggregate classification (germline): Likely pathogenic. Review status: criteria provided, multiple submitters, no conflicts (2 of 4 stars). 3 submissions from 3 submitters: Likely pathogenic (3). Last evaluated 2023-02-28.

Conditions:
Intellectual developmental disorder 62. Also called: INTELLECTUAL DEVELOPMENTAL DISORDER, AUTOSOMAL DOMINANT 62; MENTAL RETARDATION, AUTOSOMAL DOMINANT 62. Identifiers: MedGen C5394083, MONDO:0032919, OMIM 618793.

Submissions (3):

Tumer Group, Copenhagen University Hospital, Rigshospitalet
Classification: Likely pathogenic for Intellectual developmental disorder 62. Last evaluated: 2023-02-28. Review status: criteria provided, single submitter. Criteria: ACMG Guidelines, 2015. Collection method: research. Allele origin: unknown. Affected: yes.

Institute of Human Genetics, University of Leipzig Medical Center
Classification: Likely pathogenic for Intellectual developmental disorder 62. Last evaluated: 2021-12-21. Review status: criteria provided, single submitter. Criteria: ACMG Guidelines, 2015. Collection method: research. Allele origin: germline. Affected: yes.

Labcorp Genetics (formerly Invitae), Labcorp
Classification: Likely pathogenic. Last evaluated: 2019-12-20. Review status: criteria provided, single submitter. Criteria: Invitae Variant Classification Sherloc (09022015). Collection method: clinical testing. Allele origin: germline.
Comment: In summary, the currently available evidence indicates that the variant is pathogenic, but additional data are needed to prove that conclusively. Therefore, this variant has been classified as Likely Pathogenic. Donor and acceptor splice site variants typically lead to a loss of protein function (PMID: 16199547), and loss-of-function variants in DLG4 are known to be pathogenic (PMID: 27479843, 29460436). This variant has not been reported in the literature in individuals with DLG4-related conditions. This variant is not present in population databases (ExAC no frequency). This sequence change affects a donor splice site in intron 6 of the DLG4 gene. It is expected to disrupt RNA splicing and likely results in an absent or disrupted protein product.

Literature cited by the submitters: PubMed 33597769 (cited by Institute of Human Genetics, University of Leipzig Medical Center); PubMed 16199547 (cited by Labcorp Genetics (formerly Invitae), Labcorp); PubMed 27479843 (cited by Labcorp Genetics (formerly Invitae), Labcorp); PubMed 29460436 (cited by Labcorp Genetics (formerly Invitae), Labcorp).

NM_001321075.3(DLG4):c.210+1G>T

Gene: DLG4 (discs large MAGUK scaffold protein 4; minus strand). Cytogenetic location: 17p13.1.
Variant type: single nucleotide variant.
Coding change: c.210+1G>T on transcript NM_001321075.3 (MANE Select); the canonical splice donor site of the intron after coding-DNA position 210, G replaced by T.
Molecular consequence: splice donor variant.
Genome position (GRCh38, 1-based): chr17:7,204,007, C>A on the plus strand (G>T on the coding strand, the complement: DLG4 is on the minus strand). VCF-style: chr17-7204007-C-A. GRCh37 (hg19) VCF-style: chr17-7107326-C-A.
Other names: c.339+1G>T (NM_001365.5); c.201+1G>T (NM_001128827.4); c.129+1G>T (NM_001369566.3); c.30+1G>T (NM_001321077.3, NM_001321076.3); c.330+1G>T (NM_001321074.1).
Identifiers: ClinVar variation 852768 (VCV000852768.9), dbSNP rs2070315709, ClinGen allele CA397720196.